The following is an entry in ClinVar:

NM_002788.4(PSMA3):c.422A>G (p.Tyr141Cys)

Gene: PSMA3 (proteasome 20S subunit alpha 3; plus strand). Cytogenetic location: 14q23.1.
Variant type: single nucleotide variant.
Coding change: c.422A>G on transcript NM_002788.4 (MANE Select); coding-DNA position 422, A replaced by G.
Protein change: p.Tyr141Cys; replaces tyrosine 141 with cysteine.
Molecular consequence: missense variant. On other transcripts: non-coding transcript variant (1), intron variant (1).
Genome position (GRCh38, 1-based): chr14:58,260,965, A>G. VCF-style: chr14-58260965-A-G. GRCh37 (hg19) VCF-style: chr14-58727683-A-G.
Other names: c.405-4A>G (NM_152132.3); short protein forms Y141C.
Identifiers: ClinVar variation 2980042 (VCV002980042.3), dbSNP rs2502955272, ClinGen allele CA389849797.

ClinVar aggregate classification (germline): Uncertain significance (1 of 4 stars; one submission).

Allele frequency attached by ClinVar (database versions not stated): gnomAD exomes below 0.00001.
gnomAD v4.1: 1 of 1,612,414 alleles (0.000062%); highest among the groups gnomAD compares: Admixed American, 0.0017%; no homozygotes.

Submission:

Labcorp Genetics (formerly Invitae), Labcorp
Classification: Uncertain significance. Last evaluated: 2023-08-17. Review status: criteria provided, single submitter. Criteria: Invitae Variant Classification Sherloc (09022015). Collection method: clinical testing. Allele origin: germline.
Comment: In summary, the available evidence is currently insufficient to determine the role of this variant in disease. Therefore, it has been classified as a Variant of Uncertain Significance. An algorithm developed to predict the effect of missense changes on protein structure and function (PolyPhen-2) suggests that this variant is likely to be tolerated. This variant has not been reported in the literature in individuals affected with PSMA3-related conditions. This variant is not present in population databases (gnomAD no frequency). This sequence change replaces tyrosine, which is neutral and polar, with cysteine, which is neutral and slightly polar, at codon 141 of the PSMA3 protein (p.Tyr141Cys).